The following is an entry in ClinVar:

NM_001042432.2(CLN3):c.569del (p.Gly190fs)

Gene: CLN3 (CLN3 lysosomal/endosomal transmembrane protein, battenin; minus strand). Cytogenetic location: 16p12.1.
Variant type: Deletion.
Coding change: c.569del on transcript NM_001042432.2 (MANE Select); coding-DNA position 569, one base deleted (G; older notation c.569delG).
Protein change: p.Gly190fs; shifts the reading frame from glycine 190.
Molecular consequence: frameshift variant.
Genome position (GRCh38, 1-based): chr16:28,486,455, C deleted on the plus strand (G on the coding strand, the reverse complement: CLN3 is on the minus strand); the first of 5 consecutive C bases (chr16:28,486,455-28,486,459); deleting any one gives the same sequence. VCF-style (leftmost placement, unchanged base first): chr16-28486454-TC-T. GRCh37 (hg19) VCF-style: chr16-28497775-TC-T.
Other names: c.569delG (NM_001042432.1); c.569del, p.Gly190fs (NM_000086.2); c.497del, p.Gly166fs (NM_001286104.2); c.269del, p.Gly90fs (NM_001286105.2); c.335del, p.Gly112fs (NM_001286109.2); c.407del, p.Gly136fs (NM_001286110.2); short protein forms G136fs, G166fs, G190fs, G90fs, G112fs.
Identifiers: ClinVar variation 56283 (VCV000056283.3), dbSNP rs386833732, ClinGen allele CA263711.

ClinVar aggregate classification (germline): Pathogenic. Review status: criteria provided, single submitter (1 of 4 stars). 2 submissions from 2 submitters: Pathogenic (1). 1 of the submissions does not count toward it. Last evaluated 2024-05-08.

Conditions:
Neuronal ceroid lipofuscinosis 3 (CLN3). Identifiers: Orphanet 228346, MedGen C0751383, MONDO:0008767, OMIM 204200.

Submissions (2):

Myriad Genetics, Inc.
Classification: Pathogenic for Neuronal ceroid lipofuscinosis 3. Last evaluated: 2024-05-08. Review status: criteria provided, single submitter. Criteria: Myriad Autosomal Dominant, Autosomal Recessive and X-Linked Classification Criteria (2023). Collection method: clinical testing. Allele origin: unknown.
Comment: NM_001042432.1(CLN3):c.569delG(G190Efs*65) is expected to be pathogenic in the context of CLN3-related disorders. This variant is predicted to lead to an abnormal or absent protein product due to the creation of a premature termination codon in CLN3, a gene where loss-of-function variants are known to be pathogenic. Please note: this variant was assessed in the context of healthy population screening.

Juha Muilu Group; Institute for Molecular Medicine Finland (FIMM)
Classification: Likely pathogenic for Juvenile neuronal ceroid lipofuscinosis. Review status: no assertion criteria provided. Collection method: not provided. Allele origin: unknown. Not counted in ClinVar's aggregate classification.
Comment: FinDis database variant: This variant was not found or characterized by our laboratory, data were collected from public sources: see reference
ClinVar note: Converted during submission from probable-pathogenic to Likely pathogenic.